The following is an entry in ClinVar:

NM_001321075.3(DLG4):c.667G>A (p.Val223Ile)

Gene: DLG4 (discs large MAGUK scaffold protein 4; minus strand). Cytogenetic location: 17p13.1.
Variant type: single nucleotide variant.
Coding change: c.667G>A on transcript NM_001321075.3 (MANE Select); coding-DNA position 667, G replaced by A.
Protein change: p.Val223Ile; replaces valine 223 with isoleucine.
Molecular consequence: missense variant. On other transcripts: non-coding transcript variant (1).
Genome position (GRCh38, 1-based): chr17:7,203,023, C>T on the plus strand (G>A on the coding strand, the complement: DLG4 is on the minus strand). VCF-style: chr17-7203023-C-T. GRCh37 (hg19) VCF-style: chr17-7106342-C-T.
Other names: c.658G>A, p.Val220Ile (NM_001128827.4); c.787G>A, p.Val263Ile (NM_001321074.1); c.487G>A, p.Val163Ile (NM_001321076.3, NM_001321077.3); c.796G>A, p.Val266Ile (NM_001365.5); c.586G>A, p.Val196Ile (NM_001369566.3); short protein forms V163I, V196I, V220I, V223I, V263I, V266I.
Identifiers: ClinVar variation 1334650 (VCV001334650.5), dbSNP rs2142882473, ClinGen allele CA397718329.

ClinVar aggregate classification (germline): Uncertain significance. Review status: criteria provided, multiple submitters, no conflicts (2 of 4 stars). 2 submissions from 2 submitters: Uncertain significance (2). Last evaluated 2023-09-20.

Allele frequency attached by ClinVar (database versions not stated): gnomAD exomes below 0.00001.
gnomAD v4.1: 4 of 1,611,376 alleles (0.00025%); highest among the groups gnomAD compares: Non-Finnish European, 0.00034%; no homozygotes.

Submissions (2):

Blueprint Genetics
Classification: Uncertain significance. Last evaluated: 2023-09-20. Review status: criteria provided, single submitter. Criteria: ACMG Guidelines, 2015. Collection method: clinical testing. Allele origin: germline.

Greenwood Genetic Center Diagnostic Laboratories, Greenwood Genetic Center
Classification: Uncertain significance. Last evaluated: 2021-11-09. Review status: criteria provided, single submitter. Criteria: ACMG Guidelines, 2015. Collection method: clinical testing. Allele origin: germline. Affected: yes.
Comment: PM2